The following is an entry in ClinVar:

NM_005477.3(HCN4):c.562A>G (p.Ile188Val)

Gene: HCN4 (hyperpolarization activated cyclic nucleotide gated potassium channel 4; minus strand). Cytogenetic location: 15q24.1.
Variant type: single nucleotide variant.
Coding change: c.562A>G on transcript NM_005477.3 (MANE Select); coding-DNA position 562, A replaced by G.
Protein change: p.Ile188Val; replaces isoleucine 188 with valine.
Molecular consequence: missense variant.
Genome position (GRCh38, 1-based): chr15:73,367,709, T>C on the plus strand (A>G on the coding strand, the complement: HCN4 is on the minus strand). VCF-style: chr15-73367709-T-C. GRCh37 (hg19) VCF-style: chr15-73660050-T-C.
Other names: short protein forms I188V.
Identifiers: ClinVar variation 1418308 (VCV001418308.6), dbSNP rs762497115, ClinGen allele CA7649460.

ClinVar aggregate classification (germline): Uncertain significance (1 of 4 stars; one submission).

Conditions:
Brugada syndrome 8 (BRGDA8). Identifiers: Orphanet 130, MedGen C2751083, MONDO:0013148, OMIM 613123.

Allele frequency attached by ClinVar (database versions not stated): gnomAD exomes below 0.00001; TOPMed below 0.00001; ExAC 0.00001.
gnomAD v4.1: 2 of 1,598,300 alleles (0.00013%); highest among the groups gnomAD compares: East Asian, 0.0045%; no homozygotes.

Submission:

Labcorp Genetics (formerly Invitae), Labcorp
Classification: Uncertain significance for Brugada syndrome 8. Last evaluated: 2025-07-15. Review status: criteria provided, single submitter. Criteria: Invitae Variant Classification Sherloc (09022015). Collection method: clinical testing. Allele origin: germline.
Comment: This sequence change replaces isoleucine, which is neutral and non-polar, with valine, which is neutral and non-polar, at codon 188 of the HCN4 protein (p.Ile188Val). This variant is present in population databases (rs762497115, gnomAD 0.01%). This variant has not been reported in the literature in individuals affected with HCN4-related conditions. ClinVar contains an entry for this variant (Variation ID: 1418308). Invitae Evidence Modeling of protein sequence and biophysical properties (such as structural, functional, and spatial information, amino acid conservation, physicochemical variation, residue mobility, and thermodynamic stability) indicates that this missense variant is not expected to disrupt HCN4 protein function with a negative predictive value of 95%. In summary, the available evidence is currently insufficient to determine the role of this variant in disease. Therefore, it has been classified as a Variant of Uncertain Significance.